The following is an entry in ClinVar:

ClinVar aggregate classification (germline): Uncertain significance. Review status: criteria provided, multiple submitters, no conflicts (2 of 4 stars). 2 submissions from 2 submitters: Uncertain significance (2). Last evaluated 2024-09-03.

Conditions:
Emery-Dreifuss muscular dystrophy (EDMD). Also called: Scapuloperoneal syndrome, X-linked (formerly); Humeroperoneal neuromuscular disease, (formerly). Identifiers: Orphanet 261, MedGen C0410189, MONDO:0016830.

Allele frequency attached by ClinVar (database versions not stated): gnomAD exomes 0.00001; ExAC 0.00002; TOPMed 0.00002.
gnomAD v4.1: 11 of 1,614,240 alleles (0.00068%); highest among the groups gnomAD compares: South Asian, 0.0033%; no homozygotes.

Submissions (2):

Ambry Genetics
Classification: Uncertain significance. Last evaluated: 2024-09-03. Review status: criteria provided, single submitter. Criteria: Ambry Variant Classification Scheme 2023. Collection method: clinical testing. Allele origin: germline.

Labcorp Genetics (formerly Invitae), Labcorp
Classification: Uncertain significance for Emery-Dreifuss muscular dystrophy. Last evaluated: 2022-04-01. Review status: criteria provided, single submitter. Criteria: Invitae Variant Classification Sherloc (09022015). Collection method: clinical testing. Allele origin: germline.
Comment: In summary, the available evidence is currently insufficient to determine the role of this variant in disease. Therefore, it has been classified as a Variant of Uncertain Significance. Algorithms developed to predict the effect of missense changes on protein structure and function output the following: SIFT: "Tolerated"; PolyPhen-2: "Benign"; Align-GVGD: "Class C0". The glutamine amino acid residue is found in multiple mammalian species, which suggests that this missense change does not adversely affect protein function. This variant has not been reported in the literature in individuals affected with SUN1-related conditions. This variant is present in population databases (rs779036128, gnomAD 0.007%). This sequence change replaces arginine, which is basic and polar, with glutamine, which is neutral and polar, at codon 552 of the SUN1 protein (p.Arg552Gln).

NM_001130965.3(SUN1):c.1655G>A (p.Arg552Gln)

Gene: SUN1 (Sad1 and UNC84 domain containing 1; plus strand). Cytogenetic location: 7p22.3.
Variant type: single nucleotide variant.
Coding change: c.1655G>A on transcript NM_001130965.3 (MANE Select); coding-DNA position 1655, G replaced by A.
Protein change: p.Arg552Gln; replaces arginine 552 with glutamine.
Molecular consequence: missense variant. On other transcripts: non-coding transcript variant (3).
Genome position (GRCh38, 1-based): chr7:860,258, G>A. VCF-style: chr7-860258-G-A. GRCh37 (hg19) VCF-style: chr7-899895-G-A.
Other names: c.1697G>A, p.Arg566Gln (NM_001367647.1, NM_001367668.1); c.1517G>A, p.Arg506Gln (NM_001367648.1); c.1700G>A, p.Arg567Gln (NM_001367649.1); c.2069G>A, p.Arg690Gln (NM_001367651.1); c.1655G>A, p.Arg552Gln (NM_001367653.1, NM_001367633.1, NM_001367634.1); c.1865G>A, p.Arg622Gln (NM_001367655.1, NM_001367700.1); c.941G>A, p.Arg314Gln (NM_001367658.1); c.1472G>A, p.Arg491Gln (NM_001367660.1); and 44 more; short protein forms R435Q, R491Q, R501Q, R526Q, R538Q, R551Q, R567Q, R579Q.
Identifiers: ClinVar variation 2193648 (VCV002193648.5), dbSNP rs779036128, ClinGen allele CA4112321.